The following is an entry in ClinVar:

NM_000204.5(CFI):c.1044+8C>T

Gene: CFI (complement factor I; minus strand). Cytogenetic location: 4q25.
Variant type: single nucleotide variant.
Coding change: c.1044+8C>T on transcript NM_000204.5 (MANE Select); 8 bases into the intron after coding-DNA position 1044, C replaced by T.
Molecular consequence: intron variant.
Genome position (GRCh38, 1-based): chr4:109,749,491, G>A on the plus strand (C>T on the coding strand, the complement: CFI is on the minus strand). VCF-style: chr4-109749491-G-A. GRCh37 (hg19) VCF-style: chr4-110670647-G-A.
Other names: c.1023+8C>T (NM_001375282.1, NM_001375280.1, NM_001331035.2); c.1044+8C>T (NM_001375281.1, NM_001375279.1); c.1068+8C>T (NM_001375278.1, NM_001318057.2); c.435+8C>T (NM_001375284.1); c.987+8C>T (NM_001375283.1).
Identifiers: ClinVar variation 347162 (VCV000347162.14), dbSNP rs190420174, ClinGen allele CA3042042.

ClinVar aggregate classification (germline): Benign/Likely benign. Review status: criteria provided, multiple submitters, no conflicts (2 of 4 stars). 4 submissions from 4 submitters: Benign (1); Likely benign (3). Last evaluated 2026-02-01.

Conditions:
Atypical hemolytic-uremic syndrome with I factor anomaly. Also called: HEMOLYTIC UREMIC SYNDROME, ATYPICAL, SUSCEPTIBILITY TO, 3; AHUS, SUSCEPTIBILITY TO, 3. Identifiers: Orphanet 2134, MedGen C2752039, MONDO:0013041, OMIM 612923.
Age related macular degeneration 13. Identifiers: MedGen C3809523, MONDO:0014189, OMIM 615439.
Factor I deficiency (CFID). Also called: Complement factor I deficiency. Identifiers: Orphanet 200418, MedGen C3463916, MONDO:0012594, OMIM 610984.

Allele frequency attached by ClinVar (database versions not stated): TOPMed 0.00004; gnomAD 0.00005 and 0.00008; ExAC 0.00012; 1000 Genomes Project 30x 0.00016; 1000 Genomes Project 0.00020.
gnomAD v4.1: 185 of 1,605,672 alleles (0.012%); highest among the groups gnomAD compares: Middle Eastern, 0.38%; no homozygotes.

Submissions (4):

Labcorp Genetics (formerly Invitae), Labcorp
Classification: Likely benign. Last evaluated: 2026-02-01. Review status: criteria provided, single submitter. Criteria: Invitae Variant Classification Sherloc (09022015). Collection method: clinical testing. Allele origin: germline.

Blueprint Genetics
Classification: Likely benign. Last evaluated: 2024-03-08. Review status: criteria provided, single submitter. Criteria: ACMG Guidelines, 2015. Collection method: clinical testing. Allele origin: germline.

Fulgent Genetics
Classification: Likely benign for Factor I deficiency; Atypical hemolytic-uremic syndrome with I factor anomaly; Age related macular degeneration 13. Last evaluated: 2022-04-29. Review status: criteria provided, single submitter. Criteria: ACMG Guidelines, 2015. Collection method: clinical testing. Allele origin: unknown.

Illumina Laboratory Services, Illumina
Classification: Benign for Atypical hemolytic-uremic syndrome with I factor anomaly. Last evaluated: 2018-01-12. Review status: criteria provided, single submitter. Criteria: ICSL Variant Classification Criteria 13 December 2019. Collection method: clinical testing. Allele origin: germline.
Comment: This variant was observed in the ICSL laboratory as part of a predisposition screen in an ostensibly healthy population. It had not been previously curated by ICSL or reported in the Human Gene Mutation Database (HGMD: prior to June 1st, 2018), and was therefore a candidate for classification through an automated scoring system. Utilizing variant allele frequency, disease prevalence and penetrance estimates, and inheritance mode, an automated score was calculated to assess if this variant is too frequent to cause the disease. Based on the score and internal cut-off values, a variant classified as benign is not then subjected to further curation. The score for this variant resulted in a classification of benign for this disease.